The following is an entry in ClinVar:

ClinVar aggregate classification (germline): Uncertain significance. Review status: criteria provided, multiple submitters, no conflicts (2 of 4 stars). 3 submissions from 3 submitters: Uncertain significance (3). Last evaluated 2025-08-04.

Conditions:
RP1L1-related disorder. Also called: RP1L1-related condition.
Inborn genetic diseases. Identifiers: MedGen C0950123, MeSH D030342.

Allele frequency attached by ClinVar (database versions not stated): gnomAD 0.00003; TOPMed 0.00003; ESP Exome Variant Server 0.00008; 1000 Genomes Project 30x 0.00016; 1000 Genomes Project 0.00020.
gnomAD v4.1: 45 of 1,613,018 alleles (0.0028%); highest among the groups gnomAD compares: East Asian, 0.02%; no homozygotes.

Submissions (3):

Ambry Genetics
Classification: Uncertain significance for Inborn genetic diseases. Last evaluated: 2025-08-04. Review status: criteria provided, single submitter. Criteria: Ambry Variant Classification Scheme 2023. Collection method: clinical testing. Allele origin: germline.

PreventionGenetics, part of Exact Sciences
Classification: Uncertain significance for RP1L1-related condition. Last evaluated: 2025-05-12. Review status: criteria provided, single submitter. Criteria: ACMG Guidelines, 2015. Collection method: clinical testing. Allele origin: germline.
Comment: The RP1L1 c.2852C>T variant is predicted to result in the amino acid substitution p.Ser951Leu. To our knowledge, this variant has not been reported in the literature. This variant is reported in 0.0066% of alleles in individuals of African descent in gnomAD. At this time, the clinical significance of this variant is uncertain due to the absence of conclusive functional and genetic evidence.

Blueprint Genetics
Classification: Uncertain significance. Last evaluated: 2024-11-20. Review status: criteria provided, single submitter. Criteria: ACMG Guidelines, 2015. Collection method: clinical testing. Allele origin: germline.

NM_178857.6(RP1L1):c.2852C>T (p.Ser951Leu)

Gene: RP1L1 (RP1 like 1). Cytogenetic location: 8p23.1.
Variant type: single nucleotide variant.
Coding change: c.2852C>T on transcript NM_178857.6 (MANE Select); coding-DNA position 2852, C replaced by T.
Protein change: p.Ser951Leu; replaces serine 951 with leucine.
Molecular consequence: missense variant.
Genome position (GRCh38, 1-based): chr8:10,611,246, G>A on the plus strand (C>T on the coding strand, the complement: RP1L1 is on the minus strand). VCF-style: chr8-10611246-G-A. GRCh37 (hg19) VCF-style: chr8-10468756-G-A.
Other names: short protein forms S951L.
Identifiers: ClinVar variation 2395246 (VCV002395246.5), dbSNP rs192731232, ClinGen allele CA4624682.